The following is an entry in ClinVar:

ClinVar aggregate classification (germline): Uncertain significance (1 of 4 stars; one submission).

Conditions:
X-linked lymphoproliferative disease due to XIAP deficiency. Also called: XIAP-Related Lymphoproliferative Disease, X-Linked; XIAP DEFICIENCY. Identifiers: Orphanet 2442, Orphanet 538934, MedGen C1845076, MONDO:0010385, OMIM 300635.

gnomAD v4.1: 2 of 1,211,797 alleles (0.00017%); highest among the groups gnomAD compares: Non-Finnish European, 0.00022%; no homozygotes.

Submission:

Laboratorio de Genetica e Diagnostico Molecular, Hospital Israelita Albert Einstein
Classification: Uncertain significance for X-linked lymphoproliferative disease due to XIAP deficiency. Last evaluated: 2024-02-29. Review status: criteria provided, single submitter. Criteria: ACMG Guidelines, 2015. Collection method: clinical testing. Allele origin: germline. Affected: yes.
Comment: ACMG classification criteria: PM2 supporting, BP4 supporting

NM_001167.4(XIAP):c.713G>T (p.Arg238Leu)

Gene: XIAP (X-linked inhibitor of apoptosis; plus strand). Cytogenetic location: Xq25.
Variant type: single nucleotide variant.
Coding change: c.713G>T on transcript NM_001167.4 (MANE Select); coding-DNA position 713, G replaced by T.
Protein change: p.Arg238Leu; replaces arginine 238 with leucine.
Molecular consequence: missense variant.
Genome position (GRCh38, 1-based): chrX:123,886,375, G>T. VCF-style: chrX-123886375-G-T. GRCh37 (hg19) VCF-style: chrX-123020225-G-T.
Other names: c.713G>T, p.Arg238Leu (NM_001204401.2, NM_001378590.1, NM_001378591.1 and 1 more transcripts); short protein forms R238L.
Identifiers: ClinVar variation 4076329 (VCV004076329.1).